The following is an entry in ClinVar:

ClinVar aggregate classification (germline): Likely benign. Review status: criteria provided, single submitter (1 of 4 stars). 2 submissions from 2 submitters: Likely benign (1). 1 of the submissions does not count toward it. Last evaluated 2024-11-26.

Conditions:
TBC1D23-related disorder. Also called: TBC1D23-related condition.

Allele frequency attached by ClinVar (database versions not stated): 1000 Genomes Project 30x 0.00031; ESP Exome Variant Server 0.00031; 1000 Genomes Project 0.00040; TOPMed 0.00044; gnomAD 0.00048; gnomAD exomes 0.00048; ExAC 0.00059.
gnomAD v4.1: 768 of 1,612,440 alleles (0.048%); highest among the groups gnomAD compares: Middle Eastern, 0.083%; 1 homozygote.

Submissions (2):

Blueprint Genetics
Classification: Likely benign. Last evaluated: 2024-11-26. Review status: criteria provided, single submitter. Criteria: ACMG Guidelines, 2015. Collection method: clinical testing. Allele origin: germline.

PreventionGenetics, part of Exact Sciences
Classification: Likely benign for TBC1D23-related condition. Last evaluated: 2022-10-31. Review status: no assertion criteria provided. Collection method: clinical testing. Allele origin: germline. Not counted in ClinVar's aggregate classification.
Comment: This variant is classified as likely benign based on ACMG/AMP sequence variant interpretation guidelines (Richards et al. 2015 PMID: 25741868, with internal and published modifications).

NM_001199198.3(TBC1D23):c.1023G>A (p.Val341=)

Gene: TBC1D23 (TBC1 domain family member 23; plus strand). Cytogenetic location: 3q12.1.
Variant type: single nucleotide variant.
Coding change: c.1023G>A on transcript NM_001199198.3 (MANE Select); coding-DNA position 1023, G replaced by A.
Protein change: p.Val341=; no amino-acid change (valine 341 retained).
Molecular consequence: synonymous variant.
Genome position (GRCh38, 1-based): chr3:100,299,262, G>A. VCF-style: chr3-100299262-G-A. GRCh37 (hg19) VCF-style: chr3-100018106-G-A.
Other names: c.1023G>A, p.Val341= (NM_018309.5).
Identifiers: ClinVar variation 3057302 (VCV003057302.3), dbSNP rs146856935, ClinGen allele CA2514620.